The following is an entry in ClinVar:

ClinVar aggregate classification (germline): Uncertain significance. Review status: criteria provided, multiple submitters, no conflicts (2 of 4 stars). 2 submissions from 2 submitters: Uncertain significance (2). Last evaluated 2026-06-08.

Conditions:
Hereditary cancer-predisposing syndrome. Also called: Tumor predisposition; Hereditary neoplastic syndrome; Neoplastic Syndromes, Hereditary; Hereditary Cancer Syndrome. Identifiers: Orphanet 140162, MedGen C0027672, MeSH D009386, MONDO:0015356.
Tuberous sclerosis 2 (TSC2). Identifiers: Orphanet 805, MedGen C1860707, MONDO:0013199, OMIM 613254.

Submissions (2):

Ambry Genetics
Classification: Uncertain significance for Hereditary cancer-predisposing syndrome. Last evaluated: 2026-06-08. Review status: criteria provided, single submitter. Criteria: Ambry Variant Classification Scheme 2023. Collection method: clinical testing. Allele origin: germline.
Comment: The p.S1096T variant (also known as c.3286T>A), located in coding exon 28 of the TSC2 gene, results from a T to A substitution at nucleotide position 3286. The serine at codon 1096 is replaced by threonine, an amino acid with similar properties. This amino acid position is conserved. In addition, the in silico prediction for this alteration is inconclusive. Based on the available evidence, the clinical significance of this variant remains unclear.

Labcorp Genetics (formerly Invitae), Labcorp
Classification: Uncertain significance for Tuberous sclerosis 2. Last evaluated: 2023-07-19. Review status: criteria provided, single submitter. Criteria: Invitae Variant Classification Sherloc (09022015). Collection method: clinical testing. Allele origin: germline.
Comment: This sequence change replaces serine, which is neutral and polar, with threonine, which is neutral and polar, at codon 1096 of the TSC2 protein (p.Ser1096Thr). This variant is not present in population databases (gnomAD no frequency). This variant has not been reported in the literature in individuals affected with TSC2-related conditions. Algorithms developed to predict the effect of missense changes on protein structure and function output the following: SIFT: "Not Available"; PolyPhen-2: "Benign"; Align-GVGD: "Not Available". The threonine amino acid residue is found in multiple mammalian species, which suggests that this missense change does not adversely affect protein function. In summary, the available evidence is currently insufficient to determine the role of this variant in disease. Therefore, it has been classified as a Variant of Uncertain Significance.

NM_000548.5(TSC2):c.3286T>A (p.Ser1096Thr)

Gene: TSC2 (TSC complex subunit 2; plus strand). Cytogenetic location: 16p13.3.
Variant type: single nucleotide variant.
Coding change: c.3286T>A on transcript NM_000548.5 (MANE Select); coding-DNA position 3286, T replaced by A.
Protein change: p.Ser1096Thr; replaces serine 1096 with threonine.
Molecular consequence: missense variant. On other transcripts: non-coding transcript variant (5).
Genome position (GRCh38, 1-based): chr16:2,079,558, T>A. VCF-style: chr16-2079558-T-A. GRCh37 (hg19) VCF-style: chr16-2129559-T-A.
Other names: c.3154T>A, p.Ser1052Thr (NM_001077183.3, NM_001370404.1, NM_001406665.1); c.3286T>A, p.Ser1096Thr (NM_001114382.3); c.3046T>A, p.Ser1016Thr (NM_001318827.2); c.3010T>A, p.Ser1004Thr (NM_001318829.2); c.2554T>A, p.Ser852Thr (NM_001318831.2, NM_001406687.1, NM_001406688.1); c.3187T>A, p.Ser1063Thr (NM_001318832.2); c.3157T>A, p.Ser1053Thr (NM_001363528.2, NM_001370405.1, NM_021055.3); c.3283T>A, p.Ser1095Thr (NM_001406663.1, NM_001406664.1); and 18 more; short protein forms S1003T, S1004T, S1046T, S1049T, S1063T, S1095T, S605T, S853T.
Identifiers: ClinVar variation 2744895 (VCV002744895.4), dbSNP rs755815612, ClinGen allele CA394286429.